The following is an entry in ClinVar:

NM_013339.4(ALG6):c.743C>T (p.Pro248Leu)

Gene: ALG6 (ALG6 alpha-1,3-glucosyltransferase; plus strand). Cytogenetic location: 1p31.3.
Variant type: single nucleotide variant.
Coding change: c.743C>T on transcript NM_013339.4 (MANE Select); coding-DNA position 743, C replaced by T.
Protein change: p.Pro248Leu; replaces proline 248 with leucine.
Molecular consequence: missense variant.
Genome position (GRCh38, 1-based): chr1:63,411,988, C>T. VCF-style: chr1-63411988-C-T. GRCh37 (hg19) VCF-style: chr1-63877659-C-T.
Other names: short protein forms P248L.
Identifiers: ClinVar variation 3679421 (VCV003679421.2).

ClinVar aggregate classification (germline): Uncertain significance (1 of 4 stars; one submission).

Conditions:
ALG6-congenital disorder of glycosylation 1C (CDG1C). Also called: CARBOHYDRATE-DEFICIENT GLYCOPROTEIN SYNDROME, TYPE I, WITH DEFICIENT GLYCOSYLATION OF DOLICHOL-LINKED OLIGOSACCHARIDE; CARBOHYDRATE-DEFICIENT GLYCOPROTEIN SYNDROME, TYPE V; Congenital disorder of glycosylation type 1C; Congenital disorder of glycosylation, type Ic; CDG Ic. Identifiers: Orphanet 79320, MedGen C2930997, MONDO:0011291, OMIM 603147.

gnomAD v4.1: 7 of 1,613,982 alleles (0.00043%); highest among the groups gnomAD compares: Non-Finnish European, 0.00059%; no homozygotes.

Submission:

Labcorp Genetics (formerly Invitae), Labcorp
Classification: Uncertain significance for ALG6-congenital disorder of glycosylation 1C. Last evaluated: 2024-06-20. Review status: criteria provided, single submitter. Criteria: Invitae Variant Classification Sherloc (09022015). Collection method: clinical testing. Allele origin: germline.
Comment: This sequence change replaces proline, which is neutral and non-polar, with leucine, which is neutral and non-polar, at codon 248 of the ALG6 protein (p.Pro248Leu). This variant is not present in population databases (gnomAD no frequency). This variant has not been reported in the literature in individuals affected with ALG6-related conditions. Advanced modeling of protein sequence and biophysical properties (such as structural, functional, and spatial information, amino acid conservation, physicochemical variation, residue mobility, and thermodynamic stability) performed at Invitae indicates that this missense variant is expected to disrupt ALG6 protein function with a positive predictive value of 80%. In summary, the available evidence is currently insufficient to determine the role of this variant in disease. Therefore, it has been classified as a Variant of Uncertain Significance.